The following is an entry in ClinVar:

NM_000548.5(TSC2):c.-30+1G>C

Genes: TSC2 (TSC complex subunit 2; plus strand), LOC130058210 (ATAC-STARR-seq lymphoblastoid silent region 7024; plus strand). Cytogenetic location: 16p13.3.
Variant type: single nucleotide variant.
Coding change: c.-30+1G>C on transcript NM_000548.5 (MANE Select); the canonical splice donor site of the intron after 30 bases upstream of the start codon, G replaced by C.
Molecular consequence: splice donor variant.
Genome position (GRCh38, 1-based): chr16:2,048,066, G>C. VCF-style: chr16-2048066-G-C. GRCh37 (hg19) VCF-style: chr16-2098067-G-C.
Other names: c.-1767+1G>C (NM_001406693.1); c.-30+1G>C (NM_001406667.1, NM_001406668.1, NM_001114382.3 and 13 more transcripts); c.-846+1G>C (NM_001406680.1, NM_001406683.1, NM_001406687.1); c.-1461+1G>C (NM_001406689.1, NM_001406690.1, NM_001406692.1 and 2 more transcripts); c.-1637+1G>C (NM_001406698.1); c.-1342+1G>C (NM_001406694.1, NM_001406695.1); c.-1449+1G>C (NM_001406696.1); c.-475+1G>C (NM_001406681.1); and 3 more.
Identifiers: ClinVar variation 207767 (VCV000207767.25), dbSNP rs587778004, ClinGen allele CA319562.

ClinVar aggregate classification (germline): Conflicting classifications of pathogenicity. Review status: criteria provided, conflicting classifications (1 of 4 stars). 6 submissions from 6 submitters: Likely pathogenic (1); Uncertain significance (4). 1 of the submissions does not count toward it. Last evaluated 2026-01-27.

Conditions:
Lymphangiomyomatosis (LAM). Also called: Lymphangioleiomyomatosis; Lymphangioleiomyomatosis, somatic. Identifiers: Orphanet 538, MedGen C0751674, MONDO:0011705, OMIM 606690.
Isolated focal cortical dysplasia type II (FCORD2). Also called: CORTICAL DYSPLASIA OF TAYLOR; Focal cortical dysplasia type II. Identifiers: Orphanet 268994, MedGen C1846385, MONDO:0011818, OMIM 607341, HP:0032051.
Tuberous sclerosis 2 (TSC2). Identifiers: Orphanet 805, MedGen C1860707, MONDO:0013199, OMIM 613254.
Tuberous sclerosis syndrome (TSC). Also called: Tuberous Sclerosis Complex; Tuberous sclerosis. Identifiers: Orphanet 805, MedGen C0041341, MONDO:0001734.

gnomAD v4.1: 4 of 1,427,776 alleles (0.00028%); highest among the groups gnomAD compares: African/African-American, 0.0045%; no homozygotes.

Submissions (6):

Labcorp Genetics (formerly Invitae), Labcorp
Classification: Uncertain significance for Tuberous sclerosis 2. Last evaluated: 2026-01-27. Review status: criteria provided, single submitter. Criteria: Invitae Variant Classification Sherloc (09022015). Collection method: clinical testing. Allele origin: germline.
Comment: This variant occurs in a non-coding region of the TSC2 gene. It does not change the encoded amino acid sequence of the TSC2 protein. It affects a nucleotide within the consensus splice site. This variant is present in population databases (rs587778004, gnomAD 0.02%). This variant has been observed in individual(s) with neurodevelopmental disorders (PMID: 29655203). ClinVar contains an entry for this variant (Variation ID: 207767). Variants that disrupt the consensus splice site are a relatively common cause of aberrant splicing (PMID: 17576681, 9536098). Studies have shown that this variant is associated with altered splicing resulting in alteration to a non-coding region of the gene (internal data). In summary, the available evidence is currently insufficient to determine the role of this variant in disease. Therefore, it has been classified as a Variant of Uncertain Significance.

GeneDx
Classification: Uncertain significance. Last evaluated: 2024-08-19. Review status: criteria provided, single submitter. Criteria: GeneDx Variant Classification Process June 2021. Collection method: clinical testing. Allele origin: germline. Affected: yes.
Comment: Observed in an individual with epilepsy and/or a neurodevelopmental disorder (PMID: 29655203); In silico analysis supports a deleterious effect on splicing; This variant is associated with the following publications: (PMID: 29655203, 37937776)

Baylor Genetics
Classification: Uncertain significance for Isolated focal cortical dysplasia type II. Last evaluated: 2023-09-26. Review status: criteria provided, single submitter. Criteria: ACMG Guidelines, 2015. Collection method: clinical testing. Allele origin: unknown.

Fulgent Genetics
Classification: Uncertain significance for Lymphangiomyomatosis; Isolated focal cortical dysplasia type II; Tuberous sclerosis 2. Last evaluated: 2022-02-23. Review status: criteria provided, single submitter. Criteria: ACMG Guidelines, 2015. Collection method: clinical testing. Allele origin: unknown.

Department of Pathology and Laboratory Medicine, Sinai Health System
Classification: Likely pathogenic for tuberous sclerosis. Review status: criteria provided, single submitter. Criteria: ACMG Guidelines, 2015. Collection method: clinical testing. Allele origin: germline.

deCODE genetics, Amgen
Classification: Likely pathogenic for Tuberous sclerosis 2. Last evaluated: 2023-07-21. Review status: no assertion criteria provided. Collection method: research. Allele origin: germline. Affected: yes. Observed: 2 variant alleles. Not counted in ClinVar's aggregate classification.
Comment: The variant NM_000548.5:c.-30+1G>C (chr16:2048066) in TSC2 was detected in 2 heterozygotes out of 58K WGS Icelanders (MAF= 0,002%). This variant has been reported in ClinVar previously as pathogenic and as a variant of uncertain significance. Based on ACMG criteria (PVS1, PM2) this variant classifies as likely pathogenic.

Literature cited by the submitters: PubMed 29655203 (cited by Labcorp Genetics (formerly Invitae), Labcorp); PubMed 17576681 (cited by Labcorp Genetics (formerly Invitae), Labcorp); PubMed 9536098 (cited by Labcorp Genetics (formerly Invitae), Labcorp).